The following is an entry in ClinVar:

NM_152564.5(VPS13B):c.2932C>T (p.Gln978Ter)

Gene: VPS13B (vacuolar protein sorting 13 homolog B; plus strand). Cytogenetic location: 8q22.2.
Variant type: single nucleotide variant.
Coding change: c.2932C>T on transcript NM_152564.5 (MANE Select); coding-DNA position 2932, C replaced by T.
Protein change: p.Gln978Ter; replaces glutamine 978 with a stop codon.
Molecular consequence: nonsense.
Genome position (GRCh38, 1-based): chr8:99,384,315, C>T. VCF-style: chr8-99384315-C-T. GRCh37 (hg19) VCF-style: chr8-100396543-C-T.
Other names: c.2932C>T, p.Gln978Ter (NM_017890.5); c.2932C>T (NM_017890.3); short protein forms Q978*.
Identifiers: ClinVar variation 566147 (VCV000566147.9), dbSNP rs1563700205, ClinGen allele CA371864984.

ClinVar aggregate classification (germline): Pathogenic/Likely pathogenic. Review status: criteria provided, multiple submitters, no conflicts (2 of 4 stars). 4 submissions from 4 submitters: Pathogenic (3); Likely pathogenic (1). Last evaluated 2026-06-01.

Conditions:
Inborn genetic diseases. Identifiers: MedGen C0950123, MeSH D030342.
Cohen syndrome (COH1). Also called: PEPPER SYNDROME; Cutis verticis gyrata, retinitis pigmentosa, and sensorineural deafness. Identifiers: Orphanet 193, MedGen C0265223, MONDO:0008999, OMIM 216550.

Submissions (4):

Ambry Genetics
Classification: Pathogenic for Inborn genetic diseases. Last evaluated: 2026-06-01. Review status: criteria provided, single submitter. Criteria: Ambry Variant Classification Scheme 2023. Collection method: clinical testing. Allele origin: germline.
Comment: The c.2932C>T (p.Q978*) alteration, located in exon 20 (coding exon 19) of the VPS13B gene, consists of a C to T substitution at nucleotide position 2932. This changes the amino acid from a glutamine (Q) to a stop codon at amino acid position 978. This variant is expected to result in loss of function by premature protein truncation or nonsense-mediated mRNA decay. This variant was not reported in population-based cohorts in the Genome Aggregation Database (gnomAD). Based on the available evidence, this alteration is classified as pathogenic.

Natera, Inc.
Classification: Likely pathogenic for Cohen syndrome. Last evaluated: 2025-08-21. Review status: criteria provided, single submitter. Criteria: Natera Variant Classification Schema (03/2026). Collection method: clinical testing. Allele origin: germline.
Comment: The c.2932C>T variant in VPS13B is a nonsense variant predicted to introduce a stop codon at amino acid 978. This variant is expected to result in nonsense mediated decay, truncation, or a dysfunctional protein product. This variant is rare in the general population with a frequency below the threshold expected for the associated phenotype(s). Given the available evidence, this variant is classified as Likely Pathogenic.

Labcorp Genetics (formerly Invitae), Labcorp
Classification: Pathogenic for Cohen syndrome. Last evaluated: 2020-03-06. Review status: criteria provided, single submitter. Criteria: Invitae Variant Classification Sherloc (09022015). Collection method: clinical testing. Allele origin: germline.
Comment: This sequence change creates a premature translational stop signal (p.Gln978*) in the VPS13B gene. It is expected to result in an absent or disrupted protein product. This variant is not present in population databases (ExAC no frequency). This variant has not been reported in the literature in individuals with VPS13B-related disease. Loss-of-function variants in VPS13B are known to be pathogenic (PMID: 15141358, 16648375, 20461111). For these reasons, this variant has been classified as Pathogenic.

Fulgent Genetics
Classification: Pathogenic for Cohen syndrome. Last evaluated: 2018-10-31. Review status: criteria provided, single submitter. Criteria: ACMG Guidelines, 2015. Collection method: clinical testing. Allele origin: unknown.

Literature cited by the submitters: PubMed 15141358 (cited by Labcorp Genetics (formerly Invitae), Labcorp); PubMed 16648375 (cited by Labcorp Genetics (formerly Invitae), Labcorp); PubMed 20461111 (cited by Labcorp Genetics (formerly Invitae), Labcorp).